The following is an entry in ClinVar:

ClinVar aggregate classification (germline): Uncertain significance (1 of 4 stars; one submission).

Conditions:
Hereditary cancer-predisposing syndrome. Also called: Neoplastic Syndromes, Hereditary; Tumor predisposition; Hereditary Cancer Syndrome; Hereditary neoplastic syndrome. Identifiers: Orphanet 140162, MedGen C0027672, MeSH D009386, MONDO:0015356.

Submission:

Ambry Genetics
Classification: Uncertain significance for Hereditary cancer-predisposing syndrome. Last evaluated: 2025-11-08. Review status: criteria provided, single submitter. Criteria: Ambry Variant Classification Scheme 2023. Collection method: clinical testing. Allele origin: germline.
Comment: The p.V271D variant (also known as c.812T>A), located in coding exon 9 of the POLE gene, results from a T to A substitution at nucleotide position 812. The valine at codon 271 is replaced by aspartic acid, an amino acid with highly dissimilar properties. This amino acid position is conserved. In addition, this alteration is predicted to be deleterious by in silico analysis. Based on the available evidence, the clinical significance of this variant remains unclear.

NM_006231.4(POLE):c.812T>A (p.Val271Asp)

Gene: POLE (DNA polymerase epsilon, catalytic subunit; minus strand). Cytogenetic location: 12q24.33.
Variant type: single nucleotide variant.
Coding change: c.812T>A on transcript NM_006231.4 (MANE Select); coding-DNA position 812, T replaced by A.
Protein change: p.Val271Asp; replaces valine 271 with aspartic acid.
Molecular consequence: missense variant.
Genome position (GRCh38, 1-based): chr12:132,676,643, A>T on the plus strand (T>A on the coding strand, the complement: POLE is on the minus strand). VCF-style: chr12-132676643-A-T. GRCh37 (hg19) VCF-style: chr12-133253229-A-T.
Other names: short protein forms V271D.
Identifiers: ClinVar variation 4672335 (VCV004672335.1).
Genomic context (GRCh38, chr12:132,676,643, plus strand): 5'-TCTGTCTCAGCATCAGGAAACTTGAGGGGCAGTTTGGTCGTCTCAATGTCAAATGCCAAA[A>T]CCACAGGGTCCTGTGGGGACAAAATAAGCATAAAGCCAAGCTCTAAACTCCCCATTAGGC-3'
Protein context (NP_006222.2, residues 261-281): DDLVERPDPV[Val271Asp]LAFDIETTKL